The following is an entry in ClinVar:

ClinVar aggregate classification (germline): Uncertain significance (1 of 4 stars; one submission).

Submission:

GeneDx
Classification: Uncertain significance. Last evaluated: 2019-03-22. Review status: criteria provided, single submitter. Criteria: GeneDx Variant Classification Process June 2021. Collection method: clinical testing. Allele origin: germline. Affected: yes.
Comment: Has not been previously published as pathogenic or benign to our knowledge; Not observed in large population cohorts (Lek et al., 2016); In silico analysis, which includes protein predictors and evolutionary conservation, supports that this variant does not alter protein structure/function

NM_000018.4(ACADVL):c.1537G>C (p.Ala513Pro)

Gene: ACADVL (acyl-CoA dehydrogenase very long chain; plus strand). Cytogenetic location: 17p13.1.
Variant type: single nucleotide variant.
Coding change: c.1537G>C on transcript NM_000018.4 (MANE Select); coding-DNA position 1537, G replaced by C.
Protein change: p.Ala513Pro; replaces alanine 513 with proline.
Molecular consequence: missense variant.
Genome position (GRCh38, 1-based): chr17:7,224,325, G>C. VCF-style: chr17-7224325-G-C. GRCh37 (hg19) VCF-style: chr17-7127644-G-C.
Other names: c.1471G>C, p.Ala491Pro (NM_001033859.3); c.1606G>C, p.Ala536Pro (NM_001270447.2); c.1309G>C, p.Ala437Pro (NM_001270448.2); short protein forms A437P, A491P, A513P, A536P.
Identifiers: ClinVar variation 1308433 (VCV001308433.2), dbSNP rs2142987648, ClinGen allele CA397725334.
Genomic context (GRCh38, chr17:7,224,325, plus strand): 5'-GGGGAGGGCAGGGTGGTGTATGGCAACTAACCAGTCATTCTCCCTCTTCCTCTCAGGCGG[G>C]CAGGGCTGGGCAGCGGCCTGAGTCTCAGCGGACTTGTCCACCCGGAGTTGAGTCGGAGTG-3'
Protein context (NP_000009.1, residues 503-523): GEAGKQLRRR[Ala513Pro]GLGSGLSLSG